The following is an entry in ClinVar:

ClinVar aggregate classification (germline): Likely pathogenic (0 of 4 stars; one submission).

Conditions:
Dilated cardiomyopathy 1G (CMD1G). Identifiers: Orphanet 154, MedGen C1858763, MONDO:0011400, OMIM 604145.

Submission:

deCODE genetics, Amgen
Classification: Likely pathogenic for Dilated cardiomyopathy 1G. Last evaluated: 2023-07-21. Review status: no assertion criteria provided. Collection method: research. Allele origin: germline. Affected: yes. Observed: 1 variant allele.
Comment: The variant NM_001267550.2:c.67613del (chr2:178579583) in TTN was detected in 1 heterozygote out of 58K WGS Icelanders (MAF= 0,001%). This variant has not been reported in ClinVar previously. Based on ACMG criteria (PVS1, PM2) this variant classifies as likely pathogenic.

NM_001267550.2(TTN):c.67613del (p.Thr22538fs)

Genes: TTN (titin; minus strand), TTN-AS1 (TTN antisense RNA 1; plus strand), LOC126806423 (CDK7 strongly-dependent group 2 enhancer GRCh37_chr2:179443309-179444508; plus strand). Cytogenetic location: 2q31.2.
Variant type: Deletion.
Coding change: c.67613del on transcript NM_001267550.2 (MANE Select); coding-DNA position 67613, one base deleted (C; older notation c.67613delC).
Protein change: p.Thr22538fs; shifts the reading frame from threonine 22538.
Molecular consequence: frameshift variant.
Genome position (GRCh38, 1-based): chr2:178,579,584, G deleted on the plus strand (C on the coding strand, the reverse complement: TTN is on the minus strand). VCF-style (leftmost placement, unchanged base first): chr2-178579583-AG-A. GRCh37 (hg19) VCF-style: chr2-179444310-AG-A.
Other names: c.62690del, p.Thr20897fs (NM_001256850.1); c.40418del, p.Thr13473fs (NM_003319.4); c.59909del, p.Thr19970fs (NM_133378.4); c.40793del, p.Thr13598fs (NM_133432.3); c.40994del, p.Thr13665fs (NM_133437.4); short protein forms T13473fs, T13598fs, T13665fs, T19970fs, T20897fs, T22538fs.
Identifiers: ClinVar variation 2574056 (VCV002574056.1), dbSNP rs2468892486, ClinGen allele CA2697551406.